The following is an entry in ClinVar:

ClinVar aggregate classification (germline): Benign. Review status: criteria provided, multiple submitters, no conflicts (2 of 4 stars). 15 submissions from 12 submitters: Benign (12). 3 of the submissions do not count toward it. Last evaluated 2026-02-04.

Conditions:
Rothmund-Thomson syndrome type 2 (RTS2). Identifiers: Orphanet 221016, MedGen C5203410, MONDO:0016369, OMIM 268400.
Baller-Gerold syndrome (BGS). Also called: CRANIOSYNOSTOSIS WITH RADIAL DEFECTS. Identifiers: Orphanet 1225, MedGen C0265308, MONDO:0009039, OMIM 218600.
Rapadilino syndrome. Identifiers: Orphanet 3021, MedGen C1849453, MONDO:0009955, OMIM 266280.

Allele frequency attached by ClinVar (database versions not stated): gnomAD 0.41942 and 0.42353; ESP Exome Variant Server 0.39187; gnomAD exomes 0.43743; ExAC 0.43771; 1000 Genomes Project 0.44768; 1000 Genomes Project 30x 0.45597; TOPMed 0.42672.
gnomAD v4.1: 660,230 of 1,608,224 alleles (41%); highest among the groups gnomAD compares: Admixed American, 51%; 137,225 homozygotes.

Submissions (15):

Labcorp Genetics (formerly Invitae), Labcorp
Classification: Benign for Baller-Gerold syndrome. Last evaluated: 2026-02-04. Review status: criteria provided, single submitter. Criteria: Invitae Variant Classification Sherloc (09022015). Collection method: clinical testing. Allele origin: germline.

Mayo Clinic Laboratories, Mayo Clinic
Classification: Benign. Last evaluated: 2025-07-29. Review status: criteria provided, single submitter. Criteria: ACMG Guidelines, 2015. Collection method: clinical testing. Allele origin: germline. Observed: 205 variant alleles.
Comment: BA1

KCCC/NGS Laboratory, Kuwait Cancer Control Center
Classification: Benign for Rapadilino syndrome. Last evaluated: 2025-02-01. Review status: criteria provided, single submitter. Criteria: ACMG Guidelines, 2015. Collection method: clinical testing. Allele origin: germline. Affected: no.

Blueprint Genetics
Classification: Benign. Last evaluated: 2024-11-27. Review status: criteria provided, single submitter. Criteria: ACMG Guidelines, 2015. Collection method: clinical testing. Allele origin: germline.

KCCC/NGS Laboratory, Kuwait Cancer Control Center
Classification: Benign for Rothmund-Thomson syndrome type 2. Last evaluated: 2023-07-07. Review status: criteria provided, single submitter. Criteria: ACMG Guidelines, 2015. Collection method: clinical testing. Allele origin: germline. Affected: yes.

Genome-Nilou Lab
Classification: Benign for Baller-Gerold syndrome. Last evaluated: 2021-11-07. Review status: criteria provided, single submitter. Criteria: ACMG Guidelines, 2015. Collection method: clinical testing. Allele origin: germline. Affected: no.

Genome-Nilou Lab
Classification: Benign for Rapadilino syndrome. Last evaluated: 2021-11-07. Review status: criteria provided, single submitter. Criteria: ACMG Guidelines, 2015. Collection method: clinical testing. Allele origin: germline. Affected: no.

Genome-Nilou Lab
Classification: Benign for Rothmund-Thomson syndrome type 2. Last evaluated: 2021-11-07. Review status: criteria provided, single submitter. Criteria: ACMG Guidelines, 2015. Collection method: clinical testing. Allele origin: germline. Affected: no.

GeneDx
Classification: Benign. Last evaluated: 2018-05-26. Review status: criteria provided, single submitter. Criteria: GeneDx Variant Classification (06012015). Collection method: clinical testing. Allele origin: germline. Affected: yes.
Comment: This variant is considered likely benign or benign based on one or more of the following criteria: it is a conservative change, it occurs at a poorly conserved position in the protein, it is predicted to be benign by multiple in silico algorithms, and/or has population frequency not consistent with disease.

Eurofins Ntd Llc (ga)
Classification: Benign. Last evaluated: 2016-03-16. Review status: criteria provided, single submitter. Criteria: EGL Classification Definitions 2015. Collection method: clinical testing. Allele origin: germline. Observed: 33 variant alleles, 24 heterozygotes, 9 homozygotes.

Breakthrough Genomics
Classification: Benign. Review status: criteria provided, single submitter. Criteria: ACMG Guidelines, 2015. Collection method: not provided. Allele origin: germline. Inheritance: Autosomal recessive inheritance. Affected: yes.

PreventionGenetics, part of Exact Sciences
Classification: Benign. Review status: criteria provided, single submitter. Criteria: ACMG Guidelines, 2015. Collection method: clinical testing. Allele origin: germline.

ITMI
No classification provided. Condition: AllHighlyPenetrant. Last evaluated: 2013-09-19. Review status: no classification provided. Collection method: reference population. Allele origin: germline. Not counted in ClinVar's aggregate classification.
Comment: Please see associated publication for description of ethnicities

Diagnostic Laboratory, Department of Genetics, University Medical Center Groningen
Classification: Benign. Review status: no assertion criteria provided. Collection method: clinical testing. Allele origin: germline. Affected: yes. Study: VKGL Data-share Consensus. Not counted in ClinVar's aggregate classification.

Joint Genome Diagnostic Labs from Nijmegen and Maastricht, Radboudumc and MUMC+
Classification: Benign. Review status: no assertion criteria provided. Collection method: clinical testing. Allele origin: germline. Affected: yes. Study: VKGL Data-share Consensus. Not counted in ClinVar's aggregate classification.

Literature cited by the submitters: PubMed 24728327 (cited by ITMI).

NM_004260.4(RECQL4):c.801G>C (p.Glu267Asp)

Gene: RECQL4 (RecQ like helicase 4; minus strand). Cytogenetic location: 8q24.3.
Variant type: single nucleotide variant.
Coding change: c.801G>C on transcript NM_004260.4 (MANE Select); coding-DNA position 801, G replaced by C.
Protein change: p.Glu267Asp; replaces glutamic acid 267 with aspartic acid.
Molecular consequence: missense variant.
Genome position (GRCh38, 1-based): chr8:144,516,318, C>G on the plus strand (G>C on the coding strand, the complement: RECQL4 is on the minus strand). VCF-style: chr8-144516318-C-G. GRCh37 (hg19) VCF-style: chr8-145741702-C-G.
Other names: short protein forms E267D.
Identifiers: ClinVar variation 94898 (VCV000094898.25), dbSNP rs4244612, ClinGen allele CA147895.